The following is an entry in ClinVar:

NM_005027.4(PIK3R2):c.2134C>T (p.Leu712=)

Gene: PIK3R2 (phosphoinositide-3-kinase regulatory subunit 2; plus strand). Cytogenetic location: 19p13.11.
Variant type: single nucleotide variant.
Coding change: c.2134C>T on transcript NM_005027.4 (MANE Select); coding-DNA position 2134, C replaced by T.
Protein change: p.Leu712=; no amino-acid change (leucine 712 retained).
Molecular consequence: synonymous variant. On other transcripts: non-coding transcript variant (2).
Genome position (GRCh38, 1-based): chr19:18,169,241, C>T. VCF-style: chr19-18169241-C-T. GRCh37 (hg19) VCF-style: chr19-18280051-C-T.
Identifiers: ClinVar variation 758546 (VCV000758546.22), dbSNP rs780181859, ClinGen allele CA9307260.

ClinVar aggregate classification (germline): Likely benign. Review status: criteria provided, multiple submitters, no conflicts (2 of 4 stars). 2 submissions from 2 submitters: Likely benign (2). Last evaluated 2025-02-01.

Conditions:
Megalencephaly-polymicrogyria-postaxial polydactyly-hydrocephalus syndrome. Also called: MPPH Syndrome; MEG-PMG-MEGACC SYNDROME. Identifiers: Orphanet 83473, MedGen C1863924, MONDO:0019375.

Allele frequency attached by ClinVar (database versions not stated): gnomAD 0.00001; TOPMed 0.00002; gnomAD exomes 0.00003; ExAC 0.00009.
gnomAD v4.1: 76 of 1,587,354 alleles (0.0048%); highest among the groups gnomAD compares: Non-Finnish European, 0.0061%; no homozygotes.

Submissions (2):

CeGaT Center for Human Genetics Tuebingen
Classification: Likely benign. Last evaluated: 2025-02-01. Review status: criteria provided, single submitter. Criteria: CeGaT Center For Human Genetics Tuebingen Variant Classification Criteria Version 2. Collection method: clinical testing. Allele origin: germline. Affected: yes. Observed: 1 variant allele.
Comment: PIK3R2: BP4, BP7

Labcorp Genetics (formerly Invitae), Labcorp
Classification: Likely benign for Megalencephaly-polymicrogyria-postaxial polydactyly-hydrocephalus syndrome. Last evaluated: 2021-01-03. Review status: criteria provided, single submitter. Criteria: Invitae Variant Classification Sherloc (09022015). Collection method: clinical testing. Allele origin: germline.